The following is an entry in ClinVar:

NM_000747.3(CHRNB1):c.53C>G (p.Ala18Gly)

Genes: CHRNB1 (cholinergic receptor nicotinic beta 1 subunit; plus strand), LOC130060147 (ATAC-STARR-seq lymphoblastoid silent region 8121; plus strand). Cytogenetic location: 17p13.1.
Variant type: single nucleotide variant.
Coding change: c.53C>G on transcript NM_000747.3 (MANE Select); coding-DNA position 53, C replaced by G.
Protein change: p.Ala18Gly; replaces alanine 18 with glycine.
Molecular consequence: missense variant.
Genome position (GRCh38, 1-based): chr17:7,445,180, C>G. VCF-style: chr17-7445180-C-G. GRCh37 (hg19) VCF-style: chr17-7348499-C-G.
Other names: short protein forms A18G.
Identifiers: ClinVar variation 569406 (VCV000569406.12), dbSNP rs534380483, ClinGen allele CA8347604.

ClinVar aggregate classification (germline): Uncertain significance. Review status: criteria provided, multiple submitters, no conflicts (2 of 4 stars). 2 submissions from 2 submitters: Uncertain significance (2). Last evaluated 2025-09-01.

Conditions:
Congenital myasthenic syndrome 2A. Also called: Myasthenic syndrome, congenital, 2a, slow-channel. Identifiers: Orphanet 590, MedGen C4225374, MONDO:0014581, OMIM 616313.
Congenital myasthenic syndrome 4C (CMS4C). Also called: Myasthenic syndrome, congenital, associated with acetylcholine receptor deficiency. Identifiers: Orphanet 590, MedGen C1837091, MONDO:0012157, OMIM 608931.

Allele frequency attached by ClinVar (database versions not stated): gnomAD below 0.00001 and 0.00009; TOPMed below 0.00001; ExAC 0.00031; 1000 Genomes Project 0.00040; 1000 Genomes Project 30x 0.00078.
gnomAD v4.1: 215 of 1,610,146 alleles (0.013%); highest among the groups gnomAD compares: South Asian, 0.21%; 3 homozygotes.

Submissions (2):

Labcorp Genetics (formerly Invitae), Labcorp
Classification: Uncertain significance for Congenital myasthenic syndrome 2A. Last evaluated: 2025-09-01. Review status: criteria provided, single submitter. Criteria: Invitae Variant Classification Sherloc (09022015). Collection method: clinical testing. Allele origin: germline.
Comment: This sequence change replaces alanine, which is neutral and non-polar, with glycine, which is neutral and non-polar, at codon 18 of the CHRNB1 protein (p.Ala18Gly). This variant is present in population databases (rs534380483, gnomAD 0.2%). This variant has not been reported in the literature in individuals affected with CHRNB1-related conditions. ClinVar contains an entry for this variant (Variation ID: 569406). Experimental studies and prediction algorithms are not available or were not evaluated, and the functional significance of this variant is currently unknown. In summary, the available evidence is currently insufficient to determine the role of this variant in disease. Therefore, it has been classified as a Variant of Uncertain Significance.

Illumina Laboratory Services, Illumina
Classification: Uncertain significance for Congenital myasthenic syndrome 4C. Last evaluated: 2018-01-12. Review status: criteria provided, single submitter. Criteria: ICSL Variant Classification Criteria 13 December 2019. Collection method: clinical testing. Allele origin: germline.